The following is an entry in ClinVar:

NM_004006.3(DMD):c.7517_7519dup (p.Ile2506_Asn2507insIle)

Gene: DMD (dystrophin; minus strand). Cytogenetic location: Xp21.1.
Variant type: Duplication.
Coding change: c.7517_7519dup on transcript NM_004006.3 (MANE Select); coding-DNA positions 7517 to 7519, 3 bases duplicated (TCA; older notation c.7517_7519dupTCA).
Protein change: p.Ile2506_Asn2507insIle.
Molecular consequence: inframe insertion. On other transcripts: inframe indel (1).
Genome position (GRCh38, 1-based): chrX:31,773,983-31,773,985, TGA duplicated on the plus strand (TCA on the coding strand, the reverse complement: DMD is on the minus strand); duplicating any 3 consecutive bases within chrX:31,773,983-31,773,986 gives the same sequence; the c. name uses the placement nearest the transcript's 3' end. VCF-style (leftmost placement, unchanged base first): chrX-31773982-T-TTGA. GRCh37 (hg19) VCF-style: chrX-31792099-T-TTGA.
Other names: c.7493_7495dup, p.Ile2498_Asn2499insIle (NM_000109.4); c.7505_7507dup, p.Ile2502_Asn2503insIle (NM_004009.3); c.7148_7150dup, p.Ile2383_Asn2384insIle (NM_004010.3); c.3494_3496dup, p.Ile1165_Asn1166insIle (NM_004011.4); c.3485_3487dup, p.Ile1162_Asn1163insIle (NM_004012.4); c.137_139dup, p.Ile46_Asn47insIle (NM_004013.3, NM_004020.4, NM_004021.3 and 2 more transcripts); c.7517_7519dupTCA (NM_004006.2).
Identifiers: ClinVar variation 1759302 (VCV001759302.3), dbSNP rs747729720, ClinGen allele CA10378268.

ClinVar aggregate classification (germline): Uncertain significance (1 of 4 stars; one submission).

Conditions:
Cardiovascular phenotype. Identifiers: MedGen CN230736.

Submission:

Ambry Genetics
Classification: Uncertain significance for Cardiovascular phenotype. Last evaluated: 2022-10-31. Review status: criteria provided, single submitter. Criteria: Ambry Variant Classification Scheme 2023. Collection method: clinical testing. Allele origin: germline.
Comment: The c.7517_7519dupTCA variant (also known as p.I2506dup), located in coding exon 51 of the DMD gene, results from an in-frame duplication of TCA at nucleotide positions 7517 to 7519. This results in the duplication of an extra residue between codons 2506 and 2507. This amino acid position is highly conserved in available vertebrate species. In addition, this alteration is predicted to be deleterious by in silico analysis (Choi Y et al. PLoS ONE. 2012; 7(10):e46688). Since supporting evidence is limited at this time, the clinical significance of this alteration remains unclear.